The following is an entry in ClinVar:

NM_002180.3(IGHMBP2):c.2954C>G (p.Thr985Ser)

Gene: IGHMBP2 (immunoglobulin mu DNA binding protein 2; plus strand). Cytogenetic location: 11q13.3.
Variant type: single nucleotide variant.
Coding change: c.2954C>G on transcript NM_002180.3 (MANE Select); coding-DNA position 2954, C replaced by G.
Protein change: p.Thr985Ser; replaces threonine 985 with serine.
Molecular consequence: missense variant.
Genome position (GRCh38, 1-based): chr11:68,939,703, C>G. VCF-style: chr11-68939703-C-G. GRCh37 (hg19) VCF-style: chr11-68707171-C-G.
Other names: short protein forms T985S.
Identifiers: ClinVar variation 1506734 (VCV001506734.8), dbSNP rs2154009308, ClinGen allele CA381655224.

ClinVar aggregate classification (germline): Uncertain significance (1 of 4 stars; one submission).

Conditions:
Autosomal recessive distal spinal muscular atrophy 1. Also called: SEVERE INFANTILE AXONAL NEUROPATHY WITH RESPIRATORY FAILURE; SPINAL MUSCULAR ATROPHY, DIAPHRAGMATIC; Spinal muscular atrophy with respiratory distress 1; NEURONOPATHY, DISTAL HEREDITARY MOTOR, HARDING TYPE VI; NEUROPATHY, DISTAL HEREDITARY MOTOR, AUTOSOMAL RECESSIVE 1; HMN VI. Identifiers: Orphanet 98920, MedGen C1858517, MONDO:0011436, OMIM 604320.
Charcot-Marie-Tooth disease axonal type 2S. Also called: CHARCOT-MARIE-TOOTH DISEASE, AXONAL, AUTOSOMAL RECESSIVE, TYPE 2S; CHARCOT-MARIE-TOOTH NEUROPATHY, TYPE 2S. Identifiers: Orphanet 443073, MedGen C4015349, MONDO:0014511, OMIM 616155.

Submission:

Labcorp Genetics (formerly Invitae), Labcorp
Classification: Uncertain significance for Autosomal recessive distal spinal muscular atrophy 1; Charcot-Marie-Tooth disease axonal type 2S. Last evaluated: 2021-02-02. Review status: criteria provided, single submitter. Criteria: Invitae Variant Classification Sherloc (09022015). Collection method: clinical testing. Allele origin: germline.
Comment: This sequence change replaces threonine with serine at codon 985 of the IGHMBP2 protein (p.Thr985Ser). The threonine residue is weakly conserved and there is a small physicochemical difference between threonine and serine. This variant is not present in population databases (ExAC no frequency). This variant has not been reported in the literature in individuals with IGHMBP2-related conditions. Advanced modeling of protein sequence and biophysical properties (such as structural, functional, and spatial information, amino acid conservation, physicochemical variation, residue mobility, and thermodynamic stability) performed at Invitae indicates that this missense variant is not expected to disrupt IGHMBP2 protein function. In summary, the available evidence is currently insufficient to determine the role of this variant in disease. Therefore, it has been classified as a Variant of Uncertain Significance.